The following is an entry in ClinVar:

ClinVar aggregate classification (germline): Uncertain significance. Review status: criteria provided, multiple submitters, no conflicts (2 of 4 stars). 2 submissions from 2 submitters: Uncertain significance (2). Last evaluated 2014-02-14.

Submissions (2):

Laboratory for Molecular Medicine, Mass General Brigham Personalized Medicine
Classification: Uncertain significance. Last evaluated: 2014-02-14. Review status: criteria provided, single submitter. Criteria: LMM Criteria. Collection method: clinical testing. Allele origin: germline. Observed: 1 variant allele.
Comment: The Arg1079Gly variant in MYH7 has not been reported in individuals with cardiom yopathy or in large population studies. Other variants at this position have bee n reported (Arg1079Gly: Girolami 2010, Waldmuller 2011, LMM unpublished data; Ar g10479Trp: dbSNP rs192722540), though their significance is unclear. Arginine at position 1079 is not conserved in mammals or evolutionarily distant species, th ough the change to glycine (Gly) was predicted to be pathogenic using a computat ional tool clinically validated by our laboratory. This tool's pathogenic predic tion is estimated to be correct 94% of the time (Jordan 2011). At this time, add itional information is needed to fully assess the clinical significance of the A rg1079Gly variant.

GeneDx
Classification: Uncertain significance. Last evaluated: 2014-01-19. Review status: criteria provided, single submitter. Criteria: GeneDx Variant Classification (06012015). Collection method: clinical testing. Allele origin: germline. Affected: yes.
Comment: p.Arg1079Gly (CGG>GGG): c.3235 C>G in exon 25 of the MYH7 gene (NM_000257.2). The R1079G mutation in the MYH7 gene has not been reported as a disease-causing mutation or as a benign polymorphism to our knowledge. R1079G results in a non-conservative amino acid substitution as these residues differ in polarity, charge, size and/or other properties and is more likely to impact secondary structure. The R1079 residue is conserved across mammals. The R1079G mutation was not observed in approximately 6,500 individuals of European and African American ancestry in the NHLBI Exome Sequencing Project, indicating it is not a common benign variant in these populations. In silico algorithms are not consistent in their predictions but at least two concur that R1079G is damaging to the protein structure/function. In summary, R1079G in the MYH7 gene is interpreted as a likely disease-causing mutation. The variant is found in HCM panel(s).

NM_000257.4(MYH7):c.3235C>G (p.Arg1079Gly)

Gene: MYH7 (myosin heavy chain 7; minus strand). Cytogenetic location: 14q11.2.
Variant type: single nucleotide variant.
Coding change: c.3235C>G on transcript NM_000257.4 (MANE Select); coding-DNA position 3235, C replaced by G.
Protein change: p.Arg1079Gly; replaces arginine 1079 with glycine.
Molecular consequence: missense variant.
Genome position (GRCh38, 1-based): chr14:23,422,190, G>C on the plus strand (C>G on the coding strand, the complement: MYH7 is on the minus strand). VCF-style: chr14-23422190-G-C. GRCh37 (hg19) VCF-style: chr14-23891399-G-C.
Other names: p.R1079G:CGG>GGG; short protein forms R1079G.
Identifiers: ClinVar variation 164305 (VCV000164305.5), dbSNP rs192722540, ClinGen allele CA013459.